The following is an entry in ClinVar:

ClinVar aggregate classification (germline): Uncertain significance. Review status: criteria provided, multiple submitters, no conflicts (2 of 4 stars). 4 submissions from 4 submitters: Uncertain significance (3). 1 of the submissions does not count toward it. Last evaluated 2025-03-05.

Conditions:
Hereditary cancer-predisposing syndrome. Also called: Tumor predisposition; Hereditary Cancer Syndrome; Neoplastic Syndromes, Hereditary; Hereditary neoplastic syndrome. Identifiers: Orphanet 140162, MedGen C0027672, MeSH D009386, MONDO:0015356.
Familial cancer of breast. Also called: Hereditary breast cancer; hereditary breast carcinoma; BREAST CANCER, FAMILIAL. Identifiers: Orphanet 227535, MedGen C0346153, MONDO:0016419, OMIM 114480. Disease mechanism: loss of function.
Ataxia-telangiectasia syndrome (AT). Also called: Cerebello-oculocutaneous telangiectasia; Immunodeficiency with ataxia telangiectasia; Ataxia-telangiectasia, complementation group D; AT, COMPLEMENTATION GROUP C; Ataxia-telangiectasia, complementation group E; LOUIS-BAR SYNDROME. Identifiers: Orphanet 100, MedGen C0004135, MONDO:0008840, OMIM 208900.

Allele frequency attached by ClinVar (database versions not stated): TOPMed below 0.00001.

Submissions (4):

Labcorp Genetics (formerly Invitae), Labcorp
Classification: Uncertain significance for Ataxia-telangiectasia syndrome. Last evaluated: 2025-03-05. Review status: criteria provided, single submitter. Criteria: Invitae Variant Classification Sherloc (09022015). Collection method: clinical testing. Allele origin: germline.
Comment: This sequence change replaces alanine, which is neutral and non-polar, with threonine, which is neutral and polar, at codon 1388 of the ATM protein (p.Ala1388Thr). This variant is not present in population databases (gnomAD no frequency). This variant has not been reported in the literature in individuals affected with ATM-related conditions. ClinVar contains an entry for this variant (Variation ID: 453505). Invitae Evidence Modeling of protein sequence and biophysical properties (such as structural, functional, and spatial information, amino acid conservation, physicochemical variation, residue mobility, and thermodynamic stability) indicates that this missense variant is not expected to disrupt ATM protein function with a negative predictive value of 95%. In summary, the available evidence is currently insufficient to determine the role of this variant in disease. Therefore, it has been classified as a Variant of Uncertain Significance.

Ambry Genetics
Classification: Uncertain significance for Hereditary cancer-predisposing syndrome. Last evaluated: 2024-05-04. Review status: criteria provided, single submitter. Criteria: Ambry Variant Classification Scheme 2023. Collection method: clinical testing. Allele origin: germline.
Comment: The p.A1388T variant (also known as c.4162G>A), located in coding exon 27 of the ATM gene, results from a G to A substitution at nucleotide position 4162. The alanine at codon 1388 is replaced by threonine, an amino acid with similar properties. This amino acid position is conserved. In addition, the in silico prediction for this alteration is inconclusive. Since supporting evidence is limited at this time, the clinical significance of this alteration remains unclear.

Baylor Genetics
Classification: Uncertain significance for Familial cancer of breast. Last evaluated: 2024-02-01. Review status: criteria provided, single submitter. Criteria: ACMG Guidelines, 2015. Collection method: clinical testing. Allele origin: unknown.

Natera, Inc.
Classification: Uncertain significance for Ataxia-telangiectasia. Last evaluated: 2021-04-27. Review status: no assertion criteria provided. Collection method: clinical testing. Allele origin: germline. Not counted in ClinVar's aggregate classification.

NM_000051.4(ATM):c.4162G>A (p.Ala1388Thr)

Gene: ATM (ATM serine/threonine kinase; plus strand). Cytogenetic location: 11q22.3.
Variant type: single nucleotide variant.
Coding change: c.4162G>A on transcript NM_000051.4 (MANE Select); coding-DNA position 4162, G replaced by A.
Protein change: p.Ala1388Thr; replaces alanine 1388 with threonine.
Molecular consequence: missense variant.
Genome position (GRCh38, 1-based): chr11:108,289,029, G>A. VCF-style: chr11-108289029-G-A. GRCh37 (hg19) VCF-style: chr11-108159756-G-A.
Other names: c.4162G>A, p.Ala1388Thr (NM_001351834.2); short protein forms A1388T.
Identifiers: ClinVar variation 453505 (VCV000453505.14), dbSNP rs1555096903, ClinGen allele CA382530071.